The following is an entry in ClinVar:

ClinVar aggregate classification (germline): Uncertain significance (1 of 4 stars; one submission).

Submission:

Labcorp Genetics (formerly Invitae), Labcorp
Classification: Uncertain significance. Last evaluated: 2022-09-27. Review status: criteria provided, single submitter. Criteria: Invitae Variant Classification Sherloc (09022015). Collection method: clinical testing. Allele origin: germline.
Comment: This variant has not been reported in the literature in individuals affected with NSD1-related conditions. This sequence change replaces serine, which is neutral and polar, with leucine, which is neutral and non-polar, at codon 2302 of the NSD1 protein (p.Ser2302Leu). This variant is not present in population databases (gnomAD no frequency). Advanced modeling of protein sequence and biophysical properties (such as structural, functional, and spatial information, amino acid conservation, physicochemical variation, residue mobility, and thermodynamic stability) performed at Invitae indicates that this missense variant is not expected to disrupt NSD1 protein function. In summary, the available evidence is currently insufficient to determine the role of this variant in disease. Therefore, it has been classified as a Variant of Uncertain Significance.

NM_022455.5(NSD1):c.6905C>T (p.Ser2302Leu)

Gene: NSD1 (nuclear receptor binding SET domain protein 1; plus strand). Cytogenetic location: 5q35.3.
Variant type: single nucleotide variant.
Coding change: c.6905C>T on transcript NM_022455.5 (MANE Select); coding-DNA position 6905, C replaced by T.
Protein change: p.Ser2302Leu; replaces serine 2302 with leucine.
Molecular consequence: missense variant.
Genome position (GRCh38, 1-based): chr5:177,294,273, C>T. VCF-style: chr5-177294273-C-T. GRCh37 (hg19) VCF-style: chr5-176721274-C-T.
Other names: c.6032C>T, p.Ser2011Leu (NM_001365684.2, NM_001409308.1, NM_172349.5); c.6905C>T, p.Ser2302Leu (NM_001409301.1, NM_001409302.1, NM_001409303.1); c.6485C>T, p.Ser2162Leu (NM_001409304.1); c.6152C>T, p.Ser2051Leu (NM_001409305.1); c.6143C>T, p.Ser2048Leu (NM_001409306.1, NM_001409307.1); c.5783C>T, p.Ser1928Leu (NM_001409309.1); short protein forms S2302L, S1928L, S2033L, S2048L, S2011L, S2051L, S2162L.
Identifiers: ClinVar variation 2115598 (VCV002115598.4), dbSNP rs2480831127, ClinGen allele CA362326931.